The following is an entry in ClinVar:

ClinVar aggregate classification (germline): Uncertain significance. Review status: criteria provided, multiple submitters, no conflicts (2 of 4 stars). 3 submissions from 3 submitters: Uncertain significance (3). Last evaluated 2025-11-02.

Conditions:
Classic or attenuated familial adenomatous polyposis. Identifiers: MedGen CN372698, MONDO:0021057.
Hereditary cancer-predisposing syndrome. Also called: Neoplastic Syndromes, Hereditary; Tumor predisposition; Hereditary neoplastic syndrome; Hereditary Cancer Syndrome. Identifiers: Orphanet 140162, MedGen C0027672, MeSH D009386, MONDO:0015356.
Familial adenomatous polyposis 1 (FAP1). Also called: FAMILIAL ADENOMATOUS POLYPOSIS 1, ATTENUATED; POLYPOSIS, ADENOMATOUS INTESTINAL. Identifiers: MedGen C2713442, MONDO:0021056, OMIM 175100. Disease mechanism: loss of function.

Allele frequency attached by ClinVar (database versions not stated): gnomAD exomes below 0.00001.
gnomAD v4.1: 1 of 1,613,958 alleles (0.000062%); highest among the groups gnomAD compares: Non-Finnish European, 0.000085%; no homozygotes.

Submissions (3):

Labcorp Genetics (formerly Invitae), Labcorp
Classification: Uncertain significance for Familial adenomatous polyposis 1. Last evaluated: 2025-11-02. Review status: criteria provided, single submitter. Criteria: Invitae Variant Classification Sherloc (09022015). Collection method: clinical testing. Allele origin: germline.
Comment: This sequence change replaces glutamine, which is neutral and polar, with glutamic acid, which is acidic and polar, at codon 2628 of the APC protein (p.Gln2628Glu). This variant is not present in population databases (gnomAD no frequency). This variant has not been reported in the literature in individuals affected with APC-related conditions. ClinVar contains an entry for this variant (Variation ID: 567535). Invitae Evidence Modeling of protein sequence and biophysical properties (such as structural, functional, and spatial information, amino acid conservation, physicochemical variation, residue mobility, and thermodynamic stability) indicates that this missense variant is not expected to disrupt APC protein function with a negative predictive value of 95%. In summary, the available evidence is currently insufficient to determine the role of this variant in disease. Therefore, it has been classified as a Variant of Uncertain Significance.

All of Us Research Program, National Institutes of Health
Classification: Uncertain significance for Classic or attenuated familial adenomatous polyposis. Last evaluated: 2024-01-09. Review status: criteria provided, single submitter. Criteria: ACMG Guidelines, 2015. Collection method: clinical testing. Allele origin: germline. Inheritance: Autosomal dominant inheritance. Observed: 1 variant allele, 1 heterozygote.
Comment: This study involves interpretation of variants in research participants for the purpose of population health screening. Participant phenotype was not available at the time of variant classification. Additional details can be found in publication PMID: 35346344, PMCID: PMC8962531

Ambry Genetics
Classification: Uncertain significance for Hereditary cancer-predisposing syndrome. Last evaluated: 2023-12-19. Review status: criteria provided, single submitter. Criteria: Ambry Variant Classification Scheme 2023. Collection method: clinical testing. Allele origin: germline.
Comment: The p.Q2628E variant (also known as c.7882C>G), located in coding exon 15 of the APC gene, results from a C to G substitution at nucleotide position 7882. The glutamine at codon 2628 is replaced by glutamic acid, an amino acid with highly similar properties. This amino acid position is not well conserved in available vertebrate species. In addition, in silico predictors for this gene do not accurately predict pathogenicity. Since supporting evidence is limited at this time, the clinical significance of this alteration remains unclear.

NM_000038.6(APC):c.7882C>G (p.Gln2628Glu)

Gene: APC (APC regulator of Wnt signaling pathway; plus strand). Cytogenetic location: 5q22.2.
Variant type: single nucleotide variant.
Coding change: c.7882C>G on transcript NM_000038.6 (MANE Select); coding-DNA position 7882, C replaced by G.
Protein change: p.Gln2628Glu; replaces glutamine 2628 with glutamic acid.
Molecular consequence: missense variant.
Genome position (GRCh38, 1-based): chr5:112,843,476, C>G. VCF-style: chr5-112843476-C-G. GRCh37 (hg19) VCF-style: chr5-112179173-C-G.
Other names: c.7882C>G, p.Gln2628Glu (NM_001127510.3, NM_001354895.2); c.7828C>G, p.Gln2610Glu (NM_001127511.3); c.7936C>G, p.Gln2646Glu (NM_001354896.2); c.7912C>G, p.Gln2638Glu (NM_001354897.2); c.7807C>G, p.Gln2603Glu (NM_001354898.2); c.7798C>G, p.Gln2600Glu (NM_001354899.2); c.7759C>G, p.Gln2587Glu (NM_001354900.2); c.7705C>G, p.Gln2569Glu (NM_001354901.2); and 5 more; short protein forms Q2610E, Q2628E, Q2527E, Q2537E, Q2345E, Q2468E, Q2502E, Q2587E.
Identifiers: ClinVar variation 567535 (VCV000567535.13), dbSNP rs1561619003, ClinGen allele CA16038456.